The following is an entry in ClinVar:

NM_004963.4(GUCY2C):c.3095A>C (p.Asn1032Thr)

Genes: GUCY2C (guanylate cyclase 2C; minus strand), PLBD1-AS1 (PLBD1 antisense RNA 1; plus strand). Cytogenetic location: 12p12.3.
Variant type: single nucleotide variant.
Coding change: c.3095A>C on transcript NM_004963.4 (MANE Select); coding-DNA position 3095, A replaced by C.
Protein change: p.Asn1032Thr; replaces asparagine 1032 with threonine.
Molecular consequence: missense variant.
Genome position (GRCh38, 1-based): chr12:14,613,244, T>G on the plus strand (A>C on the coding strand, the complement: GUCY2C is on the minus strand). VCF-style: chr12-14613244-T-G. GRCh37 (hg19) VCF-style: chr12-14766178-T-G.
Other names: short protein forms N1032T.
Identifiers: ClinVar variation 1461726 (VCV001461726.8), dbSNP rs1592065419, ClinGen allele CA383989408.

ClinVar aggregate classification (germline): Uncertain significance (1 of 4 stars; one submission).

Allele frequency attached by ClinVar (database versions not stated): TOPMed below 0.00001.
gnomAD v4.1: 1 of 1,613,386 alleles (0.000062%); highest among the groups gnomAD compares: East Asian, 0.0022%; no homozygotes.

Submission:

Labcorp Genetics (formerly Invitae), Labcorp
Classification: Uncertain significance. Last evaluated: 2022-04-10. Review status: criteria provided, single submitter. Criteria: Invitae Variant Classification Sherloc (09022015). Collection method: clinical testing. Allele origin: germline.
Comment: This sequence change replaces asparagine, which is neutral and polar, with threonine, which is neutral and polar, at codon 1032 of the GUCY2C protein (p.Asn1032Thr). This variant is not present in population databases (gnomAD no frequency). This variant has not been reported in the literature in individuals affected with GUCY2C-related conditions. Algorithms developed to predict the effect of missense changes on protein structure and function (SIFT, PolyPhen-2, Align-GVGD) all suggest that this variant is likely to be tolerated. In summary, the available evidence is currently insufficient to determine the role of this variant in disease. Therefore, it has been classified as a Variant of Uncertain Significance.